The following is an entry in ClinVar:

NM_000257.4(MYH7):c.4644+3G>C

Genes: MHRT (myosin heavy chain associated RNA transcript; plus strand), MYH7 (myosin heavy chain 7; minus strand). Cytogenetic location: 14q11.2.
Variant type: single nucleotide variant.
Coding change: c.4644+3G>C on transcript NM_000257.4 (MANE Select); 3 bases into the intron after coding-DNA position 4644, G replaced by C.
Molecular consequence: intron variant.
Genome position (GRCh38, 1-based): chr14:23,416,865, C>G on the plus strand (G>C on the coding strand, the complement: MYH7 is on the minus strand). VCF-style: chr14-23416865-C-G. GRCh37 (hg19) VCF-style: chr14-23886074-C-G.
Other names: c.4644+3G>C (NM_001407004.1).
Identifiers: ClinVar variation 4713922 (VCV004713922.1).
Genomic context (GRCh38, chr14:23,416,865, plus strand): 5'-AGAACAGGGACCAAAAGCCTGGAGCTCAGCTCCCTGCACCCCGTGCCCTGCACACACACA[C>G]ACCTCGGCCTCCTCCAGGGCTGACTGCAGCTCCATCTTCTCGGCCTCCAGCTGCTTTCGG-3'

ClinVar aggregate classification (germline): Uncertain significance (1 of 4 stars; one submission).

Conditions:
Hypertrophic cardiomyopathy. Also called: HYPERTROPHIC MYOCARDIOPATHY. Identifiers: Orphanet 217569, MedGen C0007194, MeSH D002312, MONDO:0005045, HP:0001639.

gnomAD v4.1: 1 of 1,614,154 alleles (0.000062%); highest among the groups gnomAD compares: African/African-American, 0.0013%; no homozygotes.

Submission:

Labcorp Genetics (formerly Invitae), Labcorp
Classification: Uncertain significance for Hypertrophic cardiomyopathy. Last evaluated: 2025-02-26. Review status: criteria provided, single submitter. Criteria: Invitae Variant Classification Sherloc (09022015). Collection method: clinical testing. Allele origin: germline.
Comment: This sequence change falls in intron 33 of the MYH7 gene. It does not directly change the encoded amino acid sequence of the MYH7 protein. It affects a nucleotide within the consensus splice site. This variant is not present in population databases (gnomAD no frequency). This variant has not been reported in the literature in individuals affected with MYH7-related conditions. Variants that disrupt the consensus splice site are a relatively common cause of aberrant splicing (PMID: 17576681, 9536098). Algorithms developed to predict the effect of sequence changes on RNA splicing suggest that this variant is not likely to affect RNA splicing. In summary, the available evidence is currently insufficient to determine the role of this variant in disease. Therefore, it has been classified as a Variant of Uncertain Significance.

Literature cited by the submitters: PubMed 17576681; PubMed 9536098.